The following is an entry in ClinVar:

ClinVar aggregate classification (germline): Uncertain significance (0 of 4 stars; one submission).

Conditions:
BICRA-related disorder. Also called: BICRA-related condition.

gnomAD v4.1: 2 of 1,561,056 alleles (0.00013%); highest among the groups gnomAD compares: African/African-American, 0.0028%; no homozygotes.

Submission:

PreventionGenetics, part of Exact Sciences
Classification: Uncertain significance for BICRA-related condition. Last evaluated: 2024-05-10. Review status: no assertion criteria provided. Collection method: clinical testing. Allele origin: germline.
Comment: The BICRA c.890T>G variant is predicted to result in the amino acid substitution p.Val297Gly. To our knowledge, this variant has not been reported in the literature. This variant is reported in 0.012% of alleles in individuals of African descent in gnomAD. Although we suspect that this variant may be benign, at this time, the clinical significance of this variant is uncertain due to the absence of conclusive functional and genetic evidence.

NM_001394372.1(BICRA):c.890T>G (p.Val297Gly)

Gene: BICRA (BRD4 interacting chromatin remodeling complex associated protein; plus strand). Cytogenetic location: 19q13.33.
Variant type: single nucleotide variant.
Coding change: c.890T>G on transcript NM_001394372.1 (MANE Select); coding-DNA position 890, T replaced by G.
Protein change: p.Val297Gly; replaces valine 297 with glycine.
Molecular consequence: missense variant.
Genome position (GRCh38, 1-based): chr19:47,680,060, T>G. VCF-style: chr19-47680060-T-G. GRCh37 (hg19) VCF-style: chr19-48183317-T-G.
Other names: c.890T>G, p.Val297Gly (NM_015711.3); short protein forms V297G.
Identifiers: ClinVar variation 3345219 (VCV003345219.1).